The following is an entry in ClinVar:

NM_033305.3(VPS13A):c.1658G>A (p.Arg553His)

Gene: VPS13A (vacuolar protein sorting 13 homolog A; plus strand). Cytogenetic location: 9q21.2.
Variant type: single nucleotide variant.
Coding change: c.1658G>A on transcript NM_033305.3 (MANE Select); coding-DNA position 1658, G replaced by A.
Protein change: p.Arg553His; replaces arginine 553 with histidine.
Molecular consequence: missense variant.
Genome position (GRCh38, 1-based): chr9:77,238,064, G>A. VCF-style: chr9-77238064-G-A. GRCh37 (hg19) VCF-style: chr9-79852980-G-A.
Other names: c.1658G>A, p.Arg553His (NM_001018037.2, NM_001018038.3, NM_015186.4); short protein forms R553H.
Identifiers: ClinVar variation 3369619 (VCV003369619.1).

ClinVar aggregate classification (germline): Uncertain significance (1 of 4 stars; one submission).

gnomAD v4.1: 30 of 1,612,178 alleles (0.0019%); highest among the groups gnomAD compares: East Asian, 0.018%; no homozygotes.

Submission:

GeneDx
Classification: Uncertain significance. Last evaluated: 2024-02-27. Review status: criteria provided, single submitter. Criteria: GeneDx Variant Classification Process June 2021. Collection method: clinical testing. Allele origin: germline. Affected: yes.
Comment: Not observed at significant frequency in large population cohorts (gnomAD); In silico analysis supports that this missense variant does not alter protein structure/function; Has not been previously published as pathogenic or benign to our knowledge